The following is an entry in ClinVar:

ClinVar aggregate classification (germline): Uncertain significance. Review status: criteria provided, multiple submitters, no conflicts (2 of 4 stars). 4 submissions from 4 submitters: Uncertain significance (4). Last evaluated 2025-08-06.

Conditions:
Hypercholesterolemia, familial, 4 (FHCL4). Also called: HYPERCHOLESTEROLEMIA, AUTOSOMAL RECESSIVE, 1; HYPERCHOLESTEROLEMIA, AUTOSOMAL RECESSIVE, 2. Identifiers: Orphanet 391665, MedGen C1863512, MONDO:0011374, OMIM 603813.
Familial hypercholesterolemia. Also called: Familial hypercholesterolaemia; Familial hypercholesterolemias. Identifiers: MedGen C0020445, MONDO:0005439.

Allele frequency attached by ClinVar (database versions not stated): gnomAD exomes 0.00082; 1000 Genomes Project 30x 0.00141; 1000 Genomes Project 0.00160; gnomAD 0.00162 and 0.00164; TOPMed 0.00182.
gnomAD v4.1: 364 of 282,342 alleles (0.13%); highest among the groups gnomAD compares: Middle Eastern, 1.2%; 1 homozygote.

Submissions (4):

Cambridge Genomics Laboratory, East Genomic Laboratory Hub, NHS Genomic Medicine Service
Classification: Uncertain significance for Familial hypercholesterolaemia. Last evaluated: 2025-08-06. Review status: criteria provided, single submitter. Criteria: ACGS Best Practice Guidelines for Variant Classification in Rare Disease 2020. Collection method: clinical testing. Allele origin: germline. Affected: yes.
Comment: BS1_Strong

Genome-Nilou Lab
Classification: Uncertain significance for Hypercholesterolemia, familial, 4. Last evaluated: 2023-04-11. Review status: criteria provided, single submitter. Criteria: ACMG Guidelines, 2015. Collection method: clinical testing. Allele origin: germline. Affected: no.

Fulgent Genetics
Classification: Uncertain significance for Hypercholesterolemia, familial, 4. Last evaluated: 2021-08-25. Review status: criteria provided, single submitter. Criteria: ACMG Guidelines, 2015. Collection method: clinical testing. Allele origin: unknown.

Illumina Laboratory Services, Illumina
Classification: Uncertain significance for Hypercholesterolemia, familial, 4. Last evaluated: 2018-01-13. Review status: criteria provided, single submitter. Criteria: ICSL Variant Classification Criteria 13 December 2019. Collection method: clinical testing. Allele origin: germline.

NM_015627.3(LDLRAP1):c.*478C>T

Gene: LDLRAP1 (low density lipoprotein receptor adaptor protein 1; plus strand). Cytogenetic location: 1p36.11.
Variant type: single nucleotide variant.
Coding change: c.*478C>T on transcript NM_015627.3 (MANE Select); 478 bases downstream of the stop codon, C replaced by T.
Molecular consequence: 3 prime UTR variant.
Genome position (GRCh38, 1-based): chr1:25,567,470, C>T. VCF-style: chr1-25567470-C-T. GRCh37 (hg19) VCF-style: chr1-25893961-C-T.
Identifiers: ClinVar variation 296994 (VCV000296994.8), dbSNP rs370958045, ClinGen allele CA10609996.
Genomic context (GRCh38, chr1:25,567,470, plus strand): 5'-TTCCTGAAAGCTGTTGGATTTCAGTGATTTTTCCCCCCACCCCCCAGCACAGGAGAGCAC[C>T]CACAGCCGCAGAAGGGGAATGTGTCCTCCTGCTCTGCTTCCTCAGGGCCCAGCAGGCGGG-3'